The following is an entry in ClinVar:

ClinVar aggregate classification (germline): Likely pathogenic (1 of 4 stars; one submission).

Conditions:
Baller-Gerold syndrome (BGS). Also called: CRANIOSYNOSTOSIS WITH RADIAL DEFECTS. Identifiers: Orphanet 1225, MedGen C0265308, MONDO:0009039, OMIM 218600.

Submission:

Labcorp Genetics (formerly Invitae), Labcorp
Classification: Likely pathogenic for Baller-Gerold syndrome. Last evaluated: 2022-07-06. Review status: criteria provided, single submitter. Criteria: Invitae Variant Classification Sherloc (09022015). Collection method: clinical testing. Allele origin: germline.
Comment: This variant has not been reported in the literature in individuals affected with RECQL4-related conditions. In summary, the currently available evidence indicates that the variant is pathogenic, but additional data are needed to prove that conclusively. Therefore, this variant has been classified as Likely Pathogenic. Algorithms developed to predict the effect of sequence changes on RNA splicing suggest that this variant may disrupt the consensus splice site. This variant is not present in population databases (gnomAD no frequency). This sequence change affects a donor splice site in intron 18 of the RECQL4 gene. It is expected to disrupt RNA splicing. Variants that disrupt the donor or acceptor splice site typically lead to a loss of protein function (PMID: 16199547), and loss-of-function variants in RECQL4 are known to be pathogenic (PMID: 12734318, 12952869).

Literature cited by the submitters: PubMed 16199547; PubMed 12734318; PubMed 12952869.

NM_004260.4(RECQL4):c.3236+1G>C

Gene: RECQL4 (RecQ like helicase 4; minus strand). Cytogenetic location: 8q24.3.
Variant type: single nucleotide variant.
Coding change: c.3236+1G>C on transcript NM_004260.4 (MANE Select); the canonical splice donor site of the intron after coding-DNA position 3236, G replaced by C.
Molecular consequence: splice donor variant.
Genome position (GRCh38, 1-based): chr8:144,512,143, C>G on the plus strand (G>C on the coding strand, the complement: RECQL4 is on the minus strand). VCF-style: chr8-144512143-C-G. GRCh37 (hg19) VCF-style: chr8-145737526-C-G.
Other names: c.3107+1G>C (NM_001413025.1); c.2885+1G>C (NM_001413029.1); c.1769+1G>C (NM_001413043.1); c.1967+1G>C (NM_001413031.1, NM_001413038.1); c.2099+1G>C (NM_001413030.1, NM_001413032.1, NM_001413027.1); c.2174+1G>C (NM_001413041.1); c.2165+1G>C (NM_001413022.1, NM_001413035.1, NM_001413040.1 and 4 more transcripts); c.2240+1G>C (NM_001413023.1); and 9 more.
Identifiers: ClinVar variation 1984640 (VCV001984640.4), dbSNP rs1327061374, ClinGen allele CA372669575.